The following is an entry in ClinVar:

ClinVar aggregate classification (germline): Benign/Likely benign. Review status: criteria provided, multiple submitters, no conflicts (2 of 4 stars). 5 submissions from 5 submitters: Benign (1); Likely benign (4). Last evaluated 2025-10-06.

Conditions:
Hereditary cancer-predisposing syndrome. Also called: Neoplastic Syndromes, Hereditary; Hereditary neoplastic syndrome; Tumor predisposition; Hereditary Cancer Syndrome. Identifiers: Orphanet 140162, MedGen C0027672, MeSH D009386, MONDO:0015356.
Ataxia-telangiectasia syndrome (AT). Also called: AT, COMPLEMENTATION GROUP C; ATAXIA-TELANGIECTASIA, COMPLEMENTATION GROUP A; ATAXIA-TELANGIECTASIA, FRESNO VARIANT; LOUIS-BAR SYNDROME; Ataxia-telangiectasia; Cerebello-oculocutaneous telangiectasia. Identifiers: Orphanet 100, MedGen C0004135, MONDO:0008840, OMIM 208900.
Familial cancer of breast. Also called: BREAST CANCER, FAMILIAL; hereditary breast carcinoma; Hereditary breast cancer. Identifiers: Orphanet 227535, MedGen C0346153, MONDO:0016419, OMIM 114480. Disease mechanism: loss of function.

Submissions (5):

Labcorp Genetics (formerly Invitae), Labcorp
Classification: Likely benign for Ataxia-telangiectasia syndrome. Last evaluated: 2025-10-06. Review status: criteria provided, single submitter. Criteria: Invitae Variant Classification Sherloc (09022015). Collection method: clinical testing. Allele origin: germline.

Myriad Genetics, Inc.
Classification: Benign for Familial cancer of breast. Last evaluated: 2024-04-17. Review status: criteria provided, single submitter. Criteria: Myriad Autosomal Dominant, Autosomal Recessive and X-Linked Classification Criteria (2023). Collection method: clinical testing. Allele origin: unknown.
Comment: This variant is considered benign. This variant is a silent/synonymous amino acid change and it is not expected to impact splicing.

Color Diagnostics, LLC DBA Color Health
Classification: Likely benign for Hereditary cancer-predisposing syndrome. Last evaluated: 2023-10-26. Review status: criteria provided, single submitter. Criteria: ACMG Guidelines, 2015. Collection method: clinical testing. Allele origin: germline.

Ambry Genetics
Classification: Likely benign for Hereditary cancer-predisposing syndrome. Last evaluated: 2018-04-21. Review status: criteria provided, single submitter. Criteria: Ambry Variant Classification Scheme 2023. Collection method: clinical testing. Allele origin: germline.

GeneDx
Classification: Likely benign. Last evaluated: 2016-11-18. Review status: criteria provided, single submitter. Criteria: GeneDx Variant Classification (06012015). Collection method: clinical testing. Allele origin: germline. Affected: yes.
Comment: This variant is considered likely benign or benign based on one or more of the following criteria: it is a conservative change, it occurs at a poorly conserved position in the protein, it is predicted to be benign by multiple in silico algorithms, and/or has population frequency not consistent with disease.

NM_000051.4(ATM):c.135G>A (p.Arg45=)

Gene: ATM (ATM serine/threonine kinase; plus strand). Cytogenetic location: 11q22.3.
Variant type: single nucleotide variant.
Coding change: c.135G>A on transcript NM_000051.4 (MANE Select); coding-DNA position 135, G replaced by A.
Protein change: p.Arg45=; no amino-acid change (arginine 45 retained).
Molecular consequence: synonymous variant.
Genome position (GRCh38, 1-based): chr11:108,227,838, G>A. VCF-style: chr11-108227838-G-A. GRCh37 (hg19) VCF-style: chr11-108098565-G-A.
Other names: c.135G>A, p.Arg45= (NM_001351834.2, NM_001351835.2, NM_001351836.2).
Identifiers: ClinVar variation 391094 (VCV000391094.19), dbSNP rs970407823, ClinGen allele CA16605753.